The following is an entry in ClinVar:

ClinVar aggregate classification (germline): Uncertain significance (1 of 4 stars; one submission).

Allele frequency attached by ClinVar (database versions not stated): gnomAD exomes below 0.00001.
gnomAD v4.1: 1 of 1,613,776 alleles (0.000062%); highest among the groups gnomAD compares: Non-Finnish European, 0.000085%; no homozygotes.

Submission:

Labcorp Genetics (formerly Invitae), Labcorp
Classification: Uncertain significance. Last evaluated: 2022-09-07. Review status: criteria provided, single submitter. Criteria: Invitae Variant Classification Sherloc (09022015). Collection method: clinical testing. Allele origin: germline.
Comment: In summary, the available evidence is currently insufficient to determine the role of this variant in disease. Therefore, it has been classified as a Variant of Uncertain Significance. Advanced modeling of protein sequence and biophysical properties (such as structural, functional, and spatial information, amino acid conservation, physicochemical variation, residue mobility, and thermodynamic stability) performed at Invitae indicates that this missense variant is not expected to disrupt COL4A2 protein function. This variant has not been reported in the literature in individuals affected with COL4A2-related conditions. This variant is not present in population databases (gnomAD no frequency). This sequence change replaces proline, which is neutral and non-polar, with arginine, which is basic and polar, at codon 1680 of the COL4A2 protein (p.Pro1680Arg).

NM_001846.4(COL4A2):c.5039C>G (p.Pro1680Arg)

Gene: COL4A2 (collagen type IV alpha 2 chain; plus strand). Cytogenetic location: 13q34.
Variant type: single nucleotide variant.
Coding change: c.5039C>G on transcript NM_001846.4 (MANE Select); coding-DNA position 5039, C replaced by G.
Protein change: p.Pro1680Arg; replaces proline 1680 with arginine.
Molecular consequence: missense variant.
Genome position (GRCh38, 1-based): chr13:110,512,091, C>G. VCF-style: chr13-110512091-C-G. GRCh37 (hg19) VCF-style: chr13-111164438-C-G.
Other names: short protein forms P1680R.
Identifiers: ClinVar variation 2013010 (VCV002013010.4), dbSNP rs2502226427, ClinGen allele CA388744414.
Genomic context (GRCh38, chr13:110,512,091, plus strand): 5'-GAGGCCGCGGCACCTGCCACTACTACGCCAACAAGTACAGCTTCTGGCTGACCACCATTC[C>G]CGAGCAGAGCTTCCAGGGCTCGCCCTCCGCCGACACGCTCAAGGCCGGCCTCATCCGCAC-3'
Protein context (NP_001837.2, residues 1670-1690): NKYSFWLTTI[Pro1680Arg]EQSFQGSPSA